The following is an entry in ClinVar:

ClinVar aggregate classification (germline): Likely benign (1 of 4 stars; one submission).

Submission:

CeGaT Center for Human Genetics Tuebingen
Classification: Likely benign. Last evaluated: 2026-05-01. Review status: criteria provided, single submitter. Criteria: CeGaT Center For Human Genetics Tuebingen Variant Classification Criteria Version 2. Collection method: clinical testing. Allele origin: germline. Affected: yes. Observed: 1 variant allele.
Comment: LMBRD2: BP4, BP7

NM_001007527.2(LMBRD2):c.249C>T (p.Tyr83=)

Gene: LMBRD2 (LMBR1 domain containing 2; minus strand). Cytogenetic location: 5p13.2.
Variant type: single nucleotide variant.
Coding change: c.249C>T on transcript NM_001007527.2 (MANE Select); coding-DNA position 249, C replaced by T.
Protein change: p.Tyr83=; no amino-acid change (tyrosine 83 retained).
Molecular consequence: synonymous variant.
Genome position (GRCh38, 1-based): chr5:36,142,525, G>A on the plus strand (C>T on the coding strand, the complement: LMBRD2 is on the minus strand). VCF-style: chr5-36142525-G-A. GRCh37 (hg19) VCF-style: chr5-36142627-G-A.
Identifiers: ClinVar variation 4873413 (VCV004873413.2).